The following is an entry in ClinVar:

NM_000038.6(APC):c.1214G>A (p.Arg405Gln)

Gene: APC (APC regulator of Wnt signaling pathway; plus strand). Cytogenetic location: 5q22.2.
Variant type: single nucleotide variant.
Coding change: c.1214G>A on transcript NM_000038.6 (MANE Select); coding-DNA position 1214, G replaced by A.
Protein change: p.Arg405Gln; replaces arginine 405 with glutamine.
Molecular consequence: missense variant. On other transcripts: intron variant (4).
Genome position (GRCh38, 1-based): chr5:112,819,246, G>A. VCF-style: chr5-112819246-G-A. GRCh37 (hg19) VCF-style: chr5-112154943-G-A.
Other names: c.1214G>A, p.Arg405Gln (NM_001127510.3, NM_001354895.2, NM_001354896.2); c.1160G>A, p.Arg387Gln (NM_001127511.3); c.1244G>A, p.Arg415Gln (NM_001354897.2); c.1139G>A, p.Arg380Gln (NM_001354898.2); c.1130G>A, p.Arg377Gln (NM_001354899.2); c.1037G>A, p.Arg346Gln (NM_001354900.2, NM_001354901.2); c.365G>A, p.Arg122Gln (NM_001354906.2); c.964-23G>A (NM_001354902.2); and 3 more; short protein forms R387Q, R405Q, R122Q, R380Q, R415Q, R377Q, R346Q.
Identifiers: ClinVar variation 142323 (VCV000142323.20), dbSNP rs587782383, ClinGen allele CA004099.
Genomic context (GRCh38, chr5:112,819,246, plus strand): 5'-CAGCACTCCACAACATCATTCACTCACAGCCTGATGACAAGAGAGGCAGGCGTGAAATCC[G>A]AGTCCTTCATCTTTTGGAACAGATACGCGCTTACTGTGAAACCTGTTGGGAGTGGCAGGA-3'
Protein context (NP_000029.2, residues 395-415): PDDKRGRREI[Arg405Gln]VLHLLEQIRA

ClinVar aggregate classification (germline): Uncertain significance. Review status: criteria provided, multiple submitters, no conflicts (2 of 4 stars). 5 submissions from 5 submitters: Uncertain significance (5). Last evaluated 2025-11-09.

Conditions:
Hereditary cancer-predisposing syndrome. Also called: Neoplastic Syndromes, Hereditary; Tumor predisposition; Hereditary Cancer Syndrome; Hereditary neoplastic syndrome. Identifiers: Orphanet 140162, MedGen C0027672, MeSH D009386, MONDO:0015356.
Familial adenomatous polyposis 1 (FAP1). Also called: FAMILIAL ADENOMATOUS POLYPOSIS 1, ATTENUATED; POLYPOSIS, ADENOMATOUS INTESTINAL. Identifiers: MedGen C2713442, MONDO:0021056, OMIM 175100. Disease mechanism: loss of function.

Allele frequency attached by ClinVar (database versions not stated): gnomAD exomes below 0.00001.

Submissions (5):

Labcorp Genetics (formerly Invitae), Labcorp
Classification: Uncertain significance for Familial adenomatous polyposis 1. Last evaluated: 2025-11-09. Review status: criteria provided, single submitter. Criteria: Invitae Variant Classification Sherloc (09022015). Collection method: clinical testing. Allele origin: germline.
Comment: This sequence change replaces arginine, which is basic and polar, with glutamine, which is neutral and polar, at codon 405 of the APC protein (p.Arg405Gln). This variant is not present in population databases (gnomAD no frequency). This variant has not been reported in the literature in individuals affected with APC-related conditions. ClinVar contains an entry for this variant (Variation ID: 142323). Invitae Evidence Modeling of protein sequence and biophysical properties (such as structural, functional, and spatial information, amino acid conservation, physicochemical variation, residue mobility, and thermodynamic stability) indicates that this missense variant is not expected to disrupt APC protein function with a negative predictive value of 95%. In summary, the available evidence is currently insufficient to determine the role of this variant in disease. Therefore, it has been classified as a Variant of Uncertain Significance.

Quest Diagnostics Nichols Institute San Juan Capistrano
Classification: Uncertain significance. Last evaluated: 2025-06-20. Review status: criteria provided, single submitter. Criteria: Quest Diagnostics criteria. Collection method: clinical testing. Allele origin: unknown.
Comment: The APC c.1214G>A (p.Arg405Gln) variant has been reported in the published literature in an individual with colorectal cancer (PMID: 29245953 (2017)). This variant has not been reported in large, multi-ethnic general populations (Genome Aggregation Database). Analysis of this variant using bioinformatics tools for the prediction of the effect of amino acid changes on protein structure and function yielded conflicting predictions that this variant is deleterious or benign. Based on the available information, we are unable to determine the clinical significance of this variant.

Center for Genomic Medicine, Rigshospitalet, Copenhagen University Hospital
Classification: Uncertain significance. Last evaluated: 2025-03-04. Review status: criteria provided, single submitter. Criteria: ACMG Guidelines, 2015. Collection method: clinical testing. Allele origin: germline.

Color Diagnostics, LLC DBA Color Health
Classification: Uncertain significance for Hereditary cancer-predisposing syndrome. Last evaluated: 2024-03-06. Review status: criteria provided, single submitter. Criteria: ACMG Guidelines, 2015. Collection method: clinical testing. Allele origin: germline.
Comment: This missense variant replaces arginine with glutamine at codon 405 of the APC protein. Computational prediction suggests that this variant may not impact protein structure and function (internally defined REVEL score threshold <= 0.5, PMID: 27666373). To our knowledge, functional studies have not been reported for this variant. This variant has not been reported in individuals affected with APC-related disorders in the literature. This variant has not been identified in the general population by the Genome Aggregation Database (gnomAD). The available evidence is insufficient to determine the role of this variant in disease conclusively. Therefore, this variant is classified as a Variant of Uncertain Significance.

Ambry Genetics
Classification: Uncertain significance for Hereditary cancer-predisposing syndrome. Last evaluated: 2021-10-13. Review status: criteria provided, single submitter. Criteria: Ambry Variant Classification Scheme 2023. Collection method: clinical testing. Allele origin: germline.
Comment: The p.R405Q variant (also known as c.1214G>A), located in coding exon 9 of the APC gene, results from a G to A substitution at nucleotide position 1214. The arginine at codon 405 is replaced by glutamine, an amino acid with highly similar properties. This amino acid position is highly conserved in available vertebrate species. In addition, in silico predictors for this gene do not accurately predict pathogenicity. Since supporting evidence is limited at this time, the clinical significance of this alteration remains unclear.

Literature cited by the submitters: PubMed 29245953 (cited by Quest Diagnostics Nichols Institute San Juan Capistrano).